The following is an entry in ClinVar:

NM_002693.3(POLG):c.1837C>G (p.His613Asp)

Gene: POLG (DNA polymerase gamma, catalytic subunit; minus strand). Cytogenetic location: 15q26.1.
Variant type: single nucleotide variant.
Coding change: c.1837C>G on transcript NM_002693.3 (MANE Select); coding-DNA position 1837, C replaced by G.
Protein change: p.His613Asp; replaces histidine 613 with aspartic acid.
Molecular consequence: missense variant.
Genome position (GRCh38, 1-based): chr15:89,325,562, G>C on the plus strand (C>G on the coding strand, the complement: POLG is on the minus strand). VCF-style: chr15-89325562-G-C. GRCh37 (hg19) VCF-style: chr15-89868793-G-C.
Other names: c.1837C>G (NM_001126131.1); c.1837C>G, p.His613Asp (NM_001126131.2); short protein forms H613D.
Identifiers: ClinVar variation 2042012 (VCV002042012.5), dbSNP rs147407423, ClinGen allele CA393759261.

ClinVar aggregate classification (germline): Conflicting classifications of pathogenicity. Review status: criteria provided, conflicting classifications (1 of 4 stars). 2 submissions from 2 submitters: Likely pathogenic (1); Uncertain significance (1). Last evaluated 2024-02-27.

Conditions:
Progressive sclerosing poliodystrophy (MTDPS4A). Also called: Mitochondrial DNA Depletion Syndrome 4A; Alpers-Huttenlocher Syndrome (AHS); ALPERS PROGRESSIVE INFANTILE POLIODYSTROPHY; NEURONAL DEGENERATION OF CHILDHOOD WITH LIVER DISEASE, PROGRESSIVE; Alpers Syndrome; ALPERS DIFFUSE DEGENERATION OF CEREBRAL GRAY MATTER WITH HEPATIC CIRRHOSIS. Identifiers: Orphanet 726, MedGen C0205710, MONDO:0008758, OMIM 203700.
Sensory ataxic neuropathy, dysarthria, and ophthalmoparesis (SANDO). Also called: Epilepsy, progressive myoclonic, type 5; Sensory ataxic neuropathy-dysarthria-ophthalmoparesis syndrome; SENSORY ATAXIC NEUROPATHY WITH MITOCHONDRIAL DNA DELETIONS, AUTOSOMAL RECESSIVE; Ataxia Neuropathy Spectrum (ANS). Identifiers: Orphanet 70595, MedGen C1843851, MONDO:0011835, OMIM 607459.

Submissions (2):

Service de Génétique Médicale, Centre Hospitalier Universitaire de Nice-Université Côte d'Azur
Classification: Likely pathogenic for Sensory ataxic neuropathy, dysarthria, and ophthalmoparesis. Last evaluated: 2024-02-27. Review status: criteria provided, single submitter. Criteria: ACMG Guidelines, 2015. Collection method: clinical testing. Allele origin: germline. Affected: yes.

Labcorp Genetics (formerly Invitae), Labcorp
Classification: Uncertain significance for Progressive sclerosing poliodystrophy. Last evaluated: 2023-08-08. Review status: criteria provided, single submitter. Criteria: Invitae Variant Classification Sherloc (09022015). Collection method: clinical testing. Allele origin: germline.
Comment: This sequence change replaces histidine, which is basic and polar, with aspartic acid, which is acidic and polar, at codon 613 of the POLG protein (p.His613Asp). This variant is not present in population databases (gnomAD no frequency). This missense change has been observed in individual(s) with POLG-related conditions (PMID: 32364361). ClinVar contains an entry for this variant (Variation ID: 2042012). Advanced modeling of protein sequence and biophysical properties (such as structural, functional, and spatial information, amino acid conservation, physicochemical variation, residue mobility, and thermodynamic stability) performed at Invitae indicates that this missense variant is expected to disrupt POLG protein function. Algorithms developed to predict the effect of sequence changes on RNA splicing suggest that this variant may disrupt the consensus splice site. In summary, the available evidence is currently insufficient to determine the role of this variant in disease. Therefore, it has been classified as a Variant of Uncertain Significance.

Literature cited by the submitters: PubMed 38703036 (cited by Service de Génétique Médicale, Centre Hospitalier Universitaire de Nice-Université Côte d'Azur); PubMed 32364361 (cited by Labcorp Genetics (formerly Invitae), Labcorp).